The following is an entry in ClinVar:

NM_000346.4(SOX9):c.1522C>T (p.Arg508Ter)

Gene: SOX9 (SRY-box transcription factor 9; plus strand). Cytogenetic location: 17q24.3.
Variant type: single nucleotide variant.
Coding change: c.1522C>T on transcript NM_000346.4 (MANE Select); coding-DNA position 1522, C replaced by T.
Protein change: p.Arg508Ter; replaces arginine 508 with a stop codon.
Molecular consequence: nonsense.
Genome position (GRCh38, 1-based): chr17:72,124,379, C>T. VCF-style: chr17-72124379-C-T. GRCh37 (hg19) VCF-style: chr17-70120520-C-T.
Other names: short protein forms R508*.
Identifiers: ClinVar variation 4721471 (VCV004721471.2).

ClinVar aggregate classification (germline): Uncertain significance. Review status: criteria provided, multiple submitters, no conflicts (2 of 4 stars). 2 submissions from 2 submitters: Uncertain significance (2). Last evaluated 2025-06-15.

Conditions:
Camptomelic dysplasia (CMPD). Also called: CMPD1/SRA1; Campomelic Dysplasia. Identifiers: Orphanet 140, MedGen C1861922, MONDO:0007251, OMIM 114290.

Submissions (2):

Labcorp Genetics (formerly Invitae), Labcorp
Classification: Uncertain significance for Camptomelic dysplasia. Last evaluated: 2025-06-15. Review status: criteria provided, single submitter. Criteria: Invitae Variant Classification Sherloc (09022015). Collection method: clinical testing. Allele origin: germline.
Comment: This sequence change creates a premature translational stop signal (p.Arg508*) in the SOX9 gene. While this is not anticipated to result in nonsense mediated decay, it is expected to disrupt the last 2 amino acid(s) of the SOX9 protein. This variant is not present in population databases (gnomAD no frequency). This variant has not been reported in the literature in individuals affected with SOX9-related conditions. Experimental studies and prediction algorithms are not available or were not evaluated, and the functional significance of this variant is currently unknown. In summary, the available evidence is currently insufficient to determine the role of this variant in disease. Therefore, it has been classified as a Variant of Uncertain Significance.

Blueprint Genetics
Classification: Uncertain significance. Last evaluated: 2019-11-21. Review status: criteria provided, single submitter. Criteria: ACMG Guidelines, 2015. Collection method: clinical testing. Allele origin: germline.